The following is an entry in ClinVar:

NM_018136.5(ASPM):c.1597AAT[1] (p.Asn534del)

Gene: ASPM (assembly factor for spindle microtubules; minus strand). Cytogenetic location: 1q31.3.
Variant type: Microsatellite.
Coding change: c.1597AAT[1] on transcript NM_018136.5 (MANE Select); one copy of the 3-base unit AAT starting at c.1597; the reference has two copies in a row; one copy, 3 bases deleted.
Protein change: p.Asn534del; deletes asparagine 534.
Molecular consequence: inframe deletion.
Genome position (GRCh38, 1-based): chr1:197,142,650-197,142,652, ATT deleted on the plus strand (AAT on the coding strand, the reverse complement: ASPM is on the minus strand); deleting any 3 consecutive bases within chr1:197,142,650-197,142,655 gives the same sequence; the position shown is the placement nearest the transcript's 3' end. VCF-style (leftmost placement, unchanged base first): chr1-197142649-GATT-G. GRCh37 (hg19) VCF-style: chr1-197111779-GATT-G.
Other names: c.1597AAT[1], p.Asn534del (NM_001206846.2); short protein forms N534del.
Identifiers: ClinVar variation 1310151 (VCV001310151.2), dbSNP rs2125113860, ClinGen allele CA2580611527.
Genomic context (GRCh38, chr1:197,142,649, plus strand): 5'-ATTTACTTAATATTGGATCTATAATTGGAAGATAAGAATGAAAATCTTCTTTTTCCTTTT[GATT>G]ATTTATTACTTTTTCATGTTCACCCACTGCACTGTTGAGACATCTTTTTGCTTTTGGTTT-3'

ClinVar aggregate classification (germline): Uncertain significance (1 of 4 stars; one submission).

Submission:

GeneDx
Classification: Uncertain significance. Last evaluated: 2019-11-18. Review status: criteria provided, single submitter. Criteria: GeneDx Variant Classification Process June 2021. Collection method: clinical testing. Allele origin: germline. Affected: yes.
Comment: Not observed in large population cohorts (Lek et al., 2016); In-frame deletion of 1 amino acid in a non-repeat region; In silico analysis, which includes protein predictors and evolutionary conservation, supports that this variant does not alter protein structure/function; Has not been previously published as pathogenic or benign to our knowledge